The following is an entry in ClinVar:

NM_206933.4(USH2A):c.5237C>T (p.Thr1746Ile)

Genes: USH2A (usherin; minus strand), USH2A-AS2 (USH2A antisense RNA 2; plus strand). Cytogenetic location: 1q41.
Variant type: single nucleotide variant.
Coding change: c.5237C>T on transcript NM_206933.4 (MANE Select); coding-DNA position 5237, C replaced by T.
Protein change: p.Thr1746Ile; replaces threonine 1746 with isoleucine.
Molecular consequence: missense variant.
Genome position (GRCh38, 1-based): chr1:216,083,517, G>A on the plus strand (C>T on the coding strand, the complement: USH2A is on the minus strand). VCF-style: chr1-216083517-G-A. GRCh37 (hg19) VCF-style: chr1-216256859-G-A.
Other names: short protein forms T1746I.
Identifiers: ClinVar variation 4690217 (VCV004690217.1).
Genomic context (GRCh38, chr1:216,083,517, plus strand): 5'-GCAAGAAAATCAGGTCCATCTTTGTTATAAACGAAAAGAAGCAATCCATTTAATTGGTCA[G>A]TTCTGAACTTAAAGGAAATCTCAAAGTTCATTCCACCATGAAACATATATGGATGAAGTT-3'
Protein context (NP_996816.3, residues 1736-1756): MNFEISFKFR[Thr1746Ile]DQLNGLLLFV

ClinVar aggregate classification (germline): Uncertain significance (1 of 4 stars; one submission).

Conditions:
Retinal disorder. Also called: Retinopathy; Retinopathies; Retinal Diseases; Retinal disorders. Identifiers: MedGen C0035309, MONDO:0005283, HP:0000488.

Submission:

Genetics Laboratory, Great Ormond Street Hospital NHS Foundation Trust, North Thames Genomic Laboratory Hub
Classification: Uncertain significance for Retinal disorders. Last evaluated: 2025-12-06. Review status: criteria provided, single submitter. Criteria: ACGS Best Practice Guidelines for Variant Classification in Rare Disease 2024 v1.2. Collection method: clinical testing. Allele origin: germline. Affected: yes.
Comment: PM2_moderate, PP3_supporting, PM3_supporting